The following is an entry in ClinVar:

NM_001042492.3(NF1):c.7594G>A (p.Ala2532Thr)

Gene: NF1 (neurofibromin 1; plus strand). Cytogenetic location: 17q11.2.
Variant type: single nucleotide variant.
Coding change: c.7594G>A on transcript NM_001042492.3 (MANE Select); coding-DNA position 7594, G replaced by A.
Protein change: p.Ala2532Thr; replaces alanine 2532 with threonine.
Molecular consequence: missense variant.
Genome position (GRCh38, 1-based): chr17:31,352,393, G>A. VCF-style: chr17-31352393-G-A. GRCh37 (hg19) VCF-style: chr17-29679411-G-A.
Other names: c.7531G>A, p.Ala2511Thr (NM_000267.4); short protein forms A2532T, A2511T.
Identifiers: ClinVar variation 480094 (VCV000480094.12), dbSNP rs1555536373, ClinGen allele CA399017822.

ClinVar aggregate classification (germline): Conflicting classifications of pathogenicity. Review status: criteria provided, conflicting classifications (1 of 4 stars). 5 submissions from 4 submitters: Uncertain significance (4); Likely benign (1). Last evaluated 2025-08-18.

Conditions:
Cardiovascular phenotype. Identifiers: MedGen CN230736.
Hereditary cancer-predisposing syndrome. Also called: Hereditary neoplastic syndrome; Neoplastic Syndromes, Hereditary; Tumor predisposition; Hereditary Cancer Syndrome. Identifiers: Orphanet 140162, MedGen C0027672, MeSH D009386, MONDO:0015356.
Neurofibromatosis, type 1 (NF1). Also called: VON RECKLINGHAUSEN DISEASE; Peripheral type neurofibromatosis; NEUROFIBROMATOSIS, TYPE I, SOMATIC; Neurofibromatosis, type I. Identifiers: Orphanet 636, MedGen C0027831, MONDO:0018975, OMIM 162200. Disease mechanism: loss of function.

Allele frequency attached by ClinVar (database versions not stated): gnomAD exomes below 0.00001; TOPMed below 0.00001.
gnomAD v4.1: 1 of 1,613,410 alleles (0.000062%); highest among the groups gnomAD compares: Non-Finnish European, 0.000085%; no homozygotes.

Submissions (5):

Labcorp Genetics (formerly Invitae), Labcorp
Classification: Likely benign for Neurofibromatosis, type 1. Last evaluated: 2025-08-18. Review status: criteria provided, single submitter. Criteria: Invitae Variant Classification Sherloc (09022015). Collection method: clinical testing. Allele origin: germline.

Genome-Nilou Lab
Classification: Uncertain significance for Neurofibromatosis, type 1. Last evaluated: 2022-03-15. Review status: criteria provided, single submitter. Criteria: ACMG Guidelines, 2015. Collection method: clinical testing. Allele origin: germline. Affected: no.

Quest Diagnostics Nichols Institute San Juan Capistrano
Classification: Uncertain significance. Last evaluated: 2021-07-30. Review status: criteria provided, single submitter. Criteria: Quest Diagnostics criteria. Collection method: clinical testing. Allele origin: unknown.

Ambry Genetics
Classification: Uncertain significance for Cardiovascular phenotype; Hereditary cancer-predisposing syndrome. Last evaluated: 2021-06-24. Review status: criteria provided, single submitter. Criteria: Ambry Variant Classification Scheme 2023. Collection method: clinical testing. Allele origin: germline.

Ambry Genetics
Classification: Uncertain significance for Hereditary cancer-predisposing syndrome. Last evaluated: 2016-02-17. Review status: criteria provided, single submitter. Criteria: Ambry Autosomal Dominant and X-Linked criteria (10/2015). Collection method: clinical testing. Allele origin: germline. Observed: 1 variant allele.
Comment: The p.A2532T variant (also known as c.7594G>A), located in coding exon 51 of the NF1 gene, results from a G to A substitution at nucleotide position 7594. The alanine at codon 2532 is replaced by threonine, an amino acid with similar properties. This variant was not reported in population based cohorts in the following databases: Database of Single Nucleotide Polymorphisms (dbSNP), NHLBI Exome Sequencing Project (ESP), and 1000 Genomes Project. In the ESP, this variant was not observed in 6503 samples (13006 alleles) with coverage at this position. To date, this alteration has been detected with an allele frequency of approximately 0.001% (greater than 110000 alleles tested) in our clinical cohort. This amino acid position is highly conserved in available vertebrate species.In addition, the in silico prediction for this alteration is inconclusive.Since supporting evidence is limited at this time, the clinical significance of this alterationremains unclear.